The following is an entry in ClinVar:

ClinVar aggregate classification (germline): Likely pathogenic (1 of 4 stars; one submission).

Conditions:
Melnick-Needles syndrome (MNS). Also called: MELNICK-NEEDLES OSTEODYSPLASTY; OSTEODYSPLASTY OF MELNICK AND NEEDLES; Melnick-Needles Syndrome (FLNA-MNS). Identifiers: Orphanet 2484, MedGen C0025237, MONDO:0010650, OMIM 309350.
Frontometaphyseal dysplasia (FMD1). Identifiers: Orphanet 1826, MedGen C0265293, MONDO:0015942.
Heterotopia, periventricular, X-linked dominant (PVNH1). Also called: PERIVENTRICULAR NODULAR HETEROTOPIA 1; X-linked periventricular heterotopia; PERIVENTRICULAR NODULAR HETEROTOPIA 4; HETEROTOPIA, PERIVENTRICULAR, 1. Identifiers: Orphanet 2149, Orphanet 82004, MedGen C1848213, MONDO:0010233, OMIM 300049.
Oto-palato-digital syndrome, type II (OPD2). Also called: FACIOPALATOOSSEOUS SYNDROME; OPD II SYNDROME; Otopalatodigital Syndrome, Type II; Otopalatodigital Syndrome Type 2 (FLNA-OPD2). Identifiers: Orphanet 669, Orphanet 90652, MedGen C1844696, MONDO:0010571, OMIM 304120.

Submission:

Labcorp Genetics (formerly Invitae), Labcorp
Classification: Likely pathogenic for Oto-palato-digital syndrome, type II; Heterotopia, periventricular, X-linked dominant; Frontometaphyseal dysplasia; Melnick-Needles syndrome. Last evaluated: 2024-12-23. Review status: criteria provided, single submitter. Criteria: Invitae Variant Classification Sherloc (09022015). Collection method: clinical testing. Allele origin: germline.
Comment: This sequence change affects an acceptor splice site in intron 26 of the FLNA gene. It is expected to disrupt RNA splicing. Variants that disrupt the donor or acceptor splice site typically lead to a loss of protein function (PMID: 16199547), and loss-of-function variants in FLNA are known to be pathogenic (PMID: 16684786, 20730588, 26471271). This variant is not present in population databases (gnomAD no frequency). This variant has not been reported in the literature in individuals affected with FLNA-related conditions. Algorithms developed to predict the effect of sequence changes on RNA splicing suggest that this variant may disrupt the consensus splice site. In summary, the currently available evidence indicates that the variant is pathogenic, but additional data are needed to prove that conclusively. Therefore, this variant has been classified as Likely Pathogenic.

Literature cited by the submitters: PubMed 16199547; PubMed 16684786; PubMed 20730588; PubMed 26471271.

NM_001110556.2(FLNA):c.4475-2A>G

Gene: FLNA (filamin A; minus strand). Cytogenetic location: Xq28.
Variant type: single nucleotide variant.
Coding change: c.4475-2A>G on transcript NM_001110556.2 (MANE Select); the canonical splice acceptor site of the intron before coding-DNA position 4475, A replaced by G.
Molecular consequence: splice acceptor variant.
Genome position (GRCh38, 1-based): chrX:154,358,570, T>C on the plus strand (A>G on the coding strand, the complement: FLNA is on the minus strand). VCF-style: chrX-154358570-T-C. GRCh37 (hg19) VCF-style: chrX-153586938-T-C.
Other names: c.4475-2A>G (NM_001456.4).
Identifiers: ClinVar variation 3760138 (VCV003760138.2).